The following is an entry in ClinVar:

NM_000441.2(SLC26A4):c.858G>A (p.Lys286=)

Gene: SLC26A4 (solute carrier family 26 member 4; plus strand). Cytogenetic location: 7q22.3.
Variant type: single nucleotide variant.
Coding change: c.858G>A on transcript NM_000441.2 (MANE Select); coding-DNA position 858, G replaced by A.
Protein change: p.Lys286=; no amino-acid change (lysine 286 retained).
Molecular consequence: synonymous variant.
Genome position (GRCh38, 1-based): chr7:107,683,294, G>A. VCF-style: chr7-107683294-G-A. GRCh37 (hg19) VCF-style: chr7-107323739-G-A.
Other names: c.858G>A (NM_000441.1).
Identifiers: ClinVar variation 1168028 (VCV001168028.11), dbSNP rs746111836, ClinGen allele CA4432596.

ClinVar aggregate classification (germline): Benign. Review status: criteria provided, single submitter (1 of 4 stars). 2 submissions from 2 submitters: Benign (1). 1 of the submissions does not count toward it. Last evaluated 2025-07-30.

Conditions:
SLC26A4-related disorder. Also called: SLC26A4-related disorders; SLC26A4-related condition.

Allele frequency attached by ClinVar (database versions not stated): gnomAD 0.00001; gnomAD exomes 0.00007 and 0.00013; ExAC 0.00016.
gnomAD v4.1: 104 of 1,613,498 alleles (0.0064%); highest among the groups gnomAD compares: South Asian, 0.11%; 2 homozygotes.

Submissions (2):

Labcorp Genetics (formerly Invitae), Labcorp
Classification: Benign. Last evaluated: 2025-07-30. Review status: criteria provided, single submitter. Criteria: Invitae Variant Classification Sherloc (09022015). Collection method: clinical testing. Allele origin: germline.

PreventionGenetics, part of Exact Sciences
Classification: Likely benign for SLC26A4-related condition. Last evaluated: 2019-02-21. Review status: no assertion criteria provided. Collection method: clinical testing. Allele origin: germline. Not counted in ClinVar's aggregate classification.
Comment: This variant is classified as likely benign based on ACMG/AMP sequence variant interpretation guidelines (Richards et al. 2015 PMID: 25741868, with internal and published modifications).